The following is an entry in ClinVar:

ClinVar aggregate classification (germline): Uncertain significance. Review status: criteria provided, multiple submitters, no conflicts (2 of 4 stars). 2 submissions from 2 submitters: Uncertain significance (2). Last evaluated 2024-07-16.

Conditions:
DICER1-related tumor predisposition. Also called: DICER1-related pleuropulmonary blastoma cancer predisposition syndrome; DICER1 syndrome. Identifiers: Orphanet 284343, MedGen C3839822, MONDO:0100216.
Hereditary cancer-predisposing syndrome. Also called: Tumor predisposition; Neoplastic Syndromes, Hereditary; Hereditary Cancer Syndrome; Hereditary neoplastic syndrome. Identifiers: Orphanet 140162, MedGen C0027672, MeSH D009386, MONDO:0015356.

gnomAD v4.1: 1 of 1,614,096 alleles (0.000062%); highest among the groups gnomAD compares: East Asian, 0.0022%; no homozygotes.

Submissions (2):

Labcorp Genetics (formerly Invitae), Labcorp
Classification: Uncertain significance for DICER1-related tumor predisposition. Last evaluated: 2024-07-16. Review status: criteria provided, single submitter. Criteria: Invitae Variant Classification Sherloc (09022015). Collection method: clinical testing. Allele origin: germline.
Comment: This sequence change replaces aspartic acid, which is acidic and polar, with glutamic acid, which is acidic and polar, at codon 600 of the DICER1 protein (p.Asp600Glu). This variant is not present in population databases (gnomAD no frequency). This variant has not been reported in the literature in individuals affected with DICER1-related conditions. ClinVar contains an entry for this variant (Variation ID: 1780389). Advanced modeling of protein sequence and biophysical properties (such as structural, functional, and spatial information, amino acid conservation, physicochemical variation, residue mobility, and thermodynamic stability) performed at Invitae indicates that this missense variant is not expected to disrupt DICER1 protein function with a negative predictive value of 80%. In summary, the available evidence is currently insufficient to determine the role of this variant in disease. Therefore, it has been classified as a Variant of Uncertain Significance.

Ambry Genetics
Classification: Uncertain significance for Hereditary cancer-predisposing syndrome. Last evaluated: 2019-06-25. Review status: criteria provided, single submitter. Criteria: Ambry Variant Classification Scheme 2023. Collection method: clinical testing. Allele origin: germline.
Comment: The p.D600E variant (also known as c.1800C>G), located in coding exon 10 of the DICER1 gene, results from a C to G substitution at nucleotide position 1800. The aspartic acid at codon 600 is replaced by glutamic acid, an amino acid with highly similar properties. This amino acid position is poorly conserved in available vertebrate species. In addition, this alteration is predicted to be tolerated by in silico analysis. Since supporting evidence is limited at this time, the clinical significance of this alteration remains unclear.

NM_177438.3(DICER1):c.1800C>G (p.Asp600Glu)

Gene: DICER1 (dicer 1, ribonuclease III; minus strand). Cytogenetic location: 14q32.13.
Variant type: single nucleotide variant.
Coding change: c.1800C>G on transcript NM_177438.3 (MANE Select); coding-DNA position 1800, C replaced by G.
Protein change: p.Asp600Glu; replaces aspartic acid 600 with glutamic acid.
Molecular consequence: missense variant. On other transcripts: non-coding transcript variant (6).
Genome position (GRCh38, 1-based): chr14:95,115,774, G>C on the plus strand (C>G on the coding strand, the complement: DICER1 is on the minus strand). VCF-style: chr14-95115774-G-C. GRCh37 (hg19) VCF-style: chr14-95582111-G-C.
Other names: c.1800C>G, p.Asp600Glu (NM_001195573.1, NM_001271282.3, NM_001291628.2 and 13 more transcripts); c.1518C>G, p.Asp506Glu (NM_001395686.1); c.1395C>G, p.Asp465Glu (NM_001395687.1, NM_001395688.1, NM_001395689.1 and 3 more transcripts); c.1233C>G, p.Asp411Glu (NM_001395691.1); c.117C>G, p.Asp39Glu (NM_001395697.1); short protein forms D411E, D39E, D465E, D600E, D506E.
Identifiers: ClinVar variation 1780389 (VCV001780389.4), dbSNP rs199995391, ClinGen allele CA390884104.